The following is an entry in ClinVar:

NM_001244008.2(KIF1A):c.3795G>A (p.Met1265Ile)

Genes: KIF1A (kinesin family member 1A; minus strand), LOC126806583 (P300/CBP strongly-dependent group 1 enhancer GRCh37_chr2:241678910-241680109; plus strand). Cytogenetic location: 2q37.3.
Variant type: single nucleotide variant.
Coding change: c.3795G>A on transcript NM_001244008.2 (MANE Select); coding-DNA position 3795, G replaced by A.
Protein change: p.Met1265Ile; replaces methionine 1265 with isoleucine.
Molecular consequence: missense variant.
Genome position (GRCh38, 1-based): chr2:240,740,319, C>T on the plus strand (G>A on the coding strand, the complement: KIF1A is on the minus strand). VCF-style: chr2-240740319-C-T. GRCh37 (hg19) VCF-style: chr2-241679736-C-T.
Other names: c.3519G>A, p.Met1173Ile (NM_001320705.2, NM_001330289.2, NM_001379638.1); c.3594G>A, p.Met1198Ile (NM_001330290.2, NM_001379634.1, NM_001379635.1 and 1 more transcripts); c.3870G>A, p.Met1290Ile (NM_001379631.1); c.3744G>A, p.Met1248Ile (NM_001379632.1); c.3768G>A, p.Met1256Ile (NM_001379633.1, NM_001379642.1, NM_001379645.1); c.3492G>A, p.Met1164Ile (NM_001379636.1, NM_001379639.1, NM_001379641.1 and 5 more transcripts); c.3567G>A, p.Met1189Ile (NM_001379637.1, NM_001379648.1); c.3489G>A, p.Met1163Ile (NM_001379640.1); short protein forms M1265I, M1164I, M1198I, M1173I, M1163I, M1189I, M1248I, M1256I.
Identifiers: ClinVar variation 576352 (VCV000576352.10), dbSNP rs376759734, ClinGen allele CA2207646.

ClinVar aggregate classification (germline): Uncertain significance. Review status: criteria provided, multiple submitters, no conflicts (2 of 4 stars). 2 submissions from 2 submitters: Uncertain significance (2). Last evaluated 2023-07-19.

Conditions:
Neuropathy, hereditary sensory, type 2C. Also called: KIF1A-Related HSAN2 (HSAN2C); Hereditary sensory and autonomic neuropathy type IIC. Identifiers: Orphanet 970, MedGen C3280168, MONDO:0013634, OMIM 614213.
Intellectual disability, autosomal dominant 9 (NESCAVS). Also called: NESCAV SYNDROME; KIF1A-Related Neurodevelopmental Disorder. Identifiers: Orphanet 662367, MedGen C5393830, MONDO:0013656, OMIM 614255.
Hereditary spastic paraplegia 30. Identifiers: Orphanet 101010, MedGen C5235139, MONDO:0012476.

Allele frequency attached by ClinVar (database versions not stated): gnomAD exomes 0.00001; ExAC 0.00002; ESP Exome Variant Server 0.00008.

Submissions (2):

GeneDx
Classification: Uncertain significance. Last evaluated: 2023-07-19. Review status: criteria provided, single submitter. Criteria: GeneDx Variant Classification Process June 2021. Collection method: clinical testing. Allele origin: germline. Affected: yes.
Comment: In silico analysis supports that this missense variant does not alter protein structure/function; Has not been previously published as pathogenic or benign to our knowledge

Labcorp Genetics (formerly Invitae), Labcorp
Classification: Uncertain significance for Hereditary spastic paraplegia 30; Neuropathy, hereditary sensory, type 2C; Intellectual disability, autosomal dominant 9. Last evaluated: 2021-07-26. Review status: criteria provided, single submitter. Criteria: Invitae Variant Classification Sherloc (09022015). Collection method: clinical testing. Allele origin: germline.
Comment: In summary, the available evidence is currently insufficient to determine the role of this variant in disease. Therefore, it has been classified as a Variant of Uncertain Significance. Algorithms developed to predict the effect of sequence changes on RNA splicing suggest that this variant may create or strengthen a splice site, but this prediction has not been confirmed by published transcriptional studies. Algorithms developed to predict the effect of missense changes on protein structure and function (SIFT, PolyPhen-2, Align-GVGD) all suggest that this variant is likely to be tolerated, but these predictions have not been confirmed by published functional studies and their clinical significance is uncertain. This variant has not been reported in the literature in individuals with KIF1A-related disease. This variant is present in population databases (rs376759734, ExAC 0.003%). This sequence change replaces methionine with isoleucine at codon 1164 of the KIF1A protein (p.Met1164Ile). The methionine residue is moderately conserved and there is a small physicochemical difference between methionine and isoleucine.